The following is an entry in ClinVar:

NM_001080467.3(MYO5B):c.1247T>A (p.Ile416Asn)

Gene: MYO5B (myosin VB; minus strand). Cytogenetic location: 18q21.1.
Variant type: single nucleotide variant.
Coding change: c.1247T>A on transcript NM_001080467.3 (MANE Select); coding-DNA position 1247, T replaced by A.
Protein change: p.Ile416Asn; replaces isoleucine 416 with asparagine.
Molecular consequence: missense variant.
Genome position (GRCh38, 1-based): chr18:49,974,425, A>T on the plus strand (T>A on the coding strand, the complement: MYO5B is on the minus strand). VCF-style: chr18-49974425-A-T. GRCh37 (hg19) VCF-style: chr18-47500795-A-T.
Other names: short protein forms I416N.
Identifiers: ClinVar variation 1475222 (VCV001475222.8), dbSNP rs2144281575, ClinGen allele CA402432495.

ClinVar aggregate classification (germline): Uncertain significance (1 of 4 stars; one submission).

Submission:

Labcorp Genetics (formerly Invitae), Labcorp
Classification: Uncertain significance. Last evaluated: 2022-02-08. Review status: criteria provided, single submitter. Criteria: Invitae Variant Classification Sherloc (09022015). Collection method: clinical testing. Allele origin: germline.
Comment: In summary, the available evidence is currently insufficient to determine the role of this variant in disease. Therefore, it has been classified as a Variant of Uncertain Significance. Algorithms developed to predict the effect of missense changes on protein structure and function are either unavailable or do not agree on the potential impact of this missense change (SIFT: "Deleterious"; PolyPhen-2: "Probably Damaging"; Align-GVGD: "Class C0"). This variant has not been reported in the literature in individuals affected with MYO5B-related conditions. This variant is not present in population databases (gnomAD no frequency). This sequence change replaces isoleucine, which is neutral and non-polar, with asparagine, which is neutral and polar, at codon 416 of the MYO5B protein (p.Ile416Asn).